The following is an entry in ClinVar:

ClinVar aggregate classification (germline): Uncertain significance. Review status: criteria provided, multiple submitters, no conflicts (2 of 4 stars). 2 submissions from 2 submitters: Uncertain significance (2). Last evaluated 2026-03-05.

Conditions:
Hereditary cancer-predisposing syndrome. Also called: Hereditary Cancer Syndrome; Tumor predisposition; Neoplastic Syndromes, Hereditary; Hereditary neoplastic syndrome. Identifiers: Orphanet 140162, MedGen C0027672, MeSH D009386, MONDO:0015356.
Retinoblastoma (RB1). Also called: RETINOBLASTOMA, SOMATIC. Identifiers: Orphanet 790, MedGen C0035335, MeSH D012175, MONDO:0008380, OMIM 180200, HP:0009919. Disease mechanism: loss of function. Inheritance: Both sporadic and heritable forms are tested..

Allele frequency attached by ClinVar (database versions not stated): gnomAD exomes below 0.00001.
gnomAD v4.1: 1 of 1,510,064 alleles (0.000066%); highest among the groups gnomAD compares: Non-Finnish European, 0.000088%; no homozygotes.

Submissions (2):

Ambry Genetics
Classification: Uncertain significance for Hereditary cancer-predisposing syndrome. Last evaluated: 2026-03-05. Review status: criteria provided, single submitter. Criteria: Ambry Variant Classification Scheme 2023. Collection method: clinical testing. Allele origin: germline.
Comment: The p.A17V variant (also known as c.50C>T), located in coding exon 1 of the RB1 gene, results from a C to T substitution at nucleotide position 50. The alanine at codon 17 is replaced by valine, an amino acid with similar properties. This variant was detected as heterozygous in individual(s) with no reported features of RB1-related retinoblastoma (Ambry internal data). This amino acid position is well conserved in available vertebrate species. In addition, the in silico prediction for this alteration is inconclusive. Based on the available evidence, the clinical significance of this variant remains unclear.

Labcorp Genetics (formerly Invitae), Labcorp
Classification: Uncertain significance for Retinoblastoma. Last evaluated: 2024-02-20. Review status: criteria provided, single submitter. Criteria: Invitae Variant Classification Sherloc (09022015). Collection method: clinical testing. Allele origin: germline.
Comment: This sequence change replaces alanine, which is neutral and non-polar, with valine, which is neutral and non-polar, at codon 17 of the RB1 protein (p.Ala17Val). This variant is not present in population databases (gnomAD no frequency). This variant has not been reported in the literature in individuals affected with RB1-related conditions. ClinVar contains an entry for this variant (Variation ID: 825440). Advanced modeling of protein sequence and biophysical properties (such as structural, functional, and spatial information, amino acid conservation, physicochemical variation, residue mobility, and thermodynamic stability) has been performed at Invitae for this missense variant, however the output from this modeling did not meet the statistical confidence thresholds required to predict the impact of this variant on RB1 protein function. In summary, the available evidence is currently insufficient to determine the role of this variant in disease. Therefore, it has been classified as a Variant of Uncertain Significance.

NM_000321.3(RB1):c.50C>T (p.Ala17Val)

Gene: RB1 (RB transcriptional corepressor 1; plus strand). Cytogenetic location: 13q14.2.
Variant type: single nucleotide variant.
Coding change: c.50C>T on transcript NM_000321.3 (MANE Select); coding-DNA position 50, C replaced by T.
Protein change: p.Ala17Val; replaces alanine 17 with valine.
Molecular consequence: missense variant.
Genome position (GRCh38, 1-based): chr13:48,303,962, C>T. VCF-style: chr13-48303962-C-T. GRCh37 (hg19) VCF-style: chr13-48878098-C-T.
Other names: short protein forms A17V.
Identifiers: ClinVar variation 825440 (VCV000825440.14), dbSNP rs1593412070, ClinGen allele CA388250226.